The following is an entry in ClinVar:

ClinVar aggregate classification (germline): Pathogenic (1 of 4 stars; one submission).

Conditions:
Lymphoproliferative syndrome 1 (LPFS1). Identifiers: Orphanet 238505, Orphanet 538963, MedGen C3552634, MONDO:0013081, OMIM 613011.

Submission:

Labcorp Genetics (formerly Invitae), Labcorp
Classification: Pathogenic for Lymphoproliferative syndrome 1. Last evaluated: 2021-06-27. Review status: criteria provided, single submitter. Criteria: Invitae Variant Classification Sherloc (09022015). Collection method: clinical testing. Allele origin: germline.
Comment: For these reasons, this variant has been classified as Pathogenic. This variant has not been reported in the literature in individuals with ITK-related conditions. This variant is a gross deletion of the genomic region encompassing exon(s) 8-10 of the ITK gene. This deletion is out-of-frame, and is expected to create a premature translational stop signal and result in an absent or disrupted protein product. Loss-of-function variants in ITK are known to be pathogenic (PMID: 16860760, 22289921, 26056787).

Literature cited by the submitters: PubMed 16860760; PubMed 22289921; PubMed 26056787.

NC_000005.9:g.(?_156659330)_(156667225_?)del

Gene: ITK (IL2 inducible T cell kinase; plus strand). Cytogenetic location: 5q33.3.
Variant type: Deletion.
Identifiers: ClinVar variation 1460222 (VCV001460222.6).